The following is an entry in ClinVar:

ClinVar aggregate classification (germline): Uncertain significance (0 of 4 stars; one submission).

Submission:

Department of Pathology and Laboratory Medicine, Sinai Health System
Classification: Uncertain significance. Review status: no assertion criteria provided. Collection method: clinical testing. Allele origin: unknown. Affected: yes. Study: The Canadian Open Genetics Repository (COGR).
Comment: The SLC37A4 p.Ser385Asn variant was not identified in the literature nor was it identified in dbSNP, ClinVar, Cosmic, LOVD 3.0, or in the following control databases: the 1000 Genomes Project, the NHLBI GO Exome Sequencing Project, the Exome Aggregation Consortium (August 8th 2016), or the Genome Aggregation Database (Feb 27, 2017). The p.Ser385 residue is conserved in mammals but not in more distantly related organisms however four out of five computational analyses (PolyPhen-2, SIFT, AlignGVGD, BLOSUM) do not suggest a high likelihood of impact to the protein; this information is not predictive enough to rule out pathogenicity. The variant occurs outside of the splicing consensus sequence and 2 of 4 in silico or computational prediction software programs (SpliceSiteFinder, MaxEntScan) predict a greater than 10% difference in splicing; this is not very predictive of pathogenicity. In summary, based on the above information the clinical significance of this variant cannot be determined with certainty at this time. This variant is classified as a variant of uncertain significance.

NM_001164277.2(SLC37A4):c.1154G>A (p.Ser385Asn)

Gene: SLC37A4 (solute carrier family 37 member 4; minus strand). Cytogenetic location: 11q23.3.
Variant type: single nucleotide variant.
Coding change: c.1154G>A on transcript NM_001164277.2 (MANE Select); coding-DNA position 1154, G replaced by A.
Protein change: p.Ser385Asn; replaces serine 385 with asparagine.
Molecular consequence: missense variant.
Genome position (GRCh38, 1-based): chr11:119,025,046, C>T on the plus strand (G>A on the coding strand, the complement: SLC37A4 is on the minus strand). VCF-style: chr11-119025046-C-T. GRCh37 (hg19) VCF-style: chr11-118895756-C-T.
Other names: c.1220G>A, p.Ser407Asn (NM_001164278.2); c.935G>A, p.Ser312Asn (NM_001164279.2); c.1154G>A, p.Ser385Asn (NM_001164280.2, NM_001467.6); short protein forms S312N, S385N, S407N.
Identifiers: ClinVar variation 1048875 (VCV001048875.1), dbSNP rs782603818, ClinGen allele CA382894661.